The following is an entry in ClinVar:

ClinVar aggregate classification (germline): Uncertain significance. Review status: criteria provided, multiple submitters, no conflicts (2 of 4 stars). 2 submissions from 2 submitters: Uncertain significance (2). Last evaluated 2025-05-04.

Conditions:
Inborn genetic diseases. Identifiers: MedGen C0950123, MeSH D030342.

Allele frequency attached by ClinVar (database versions not stated): gnomAD 0.00002 and 0.00003; gnomAD exomes 0.00019; TOPMed 0.00010; ExAC 0.00015.
gnomAD v4.1: 69 of 1,613,994 alleles (0.0043%); highest among the groups gnomAD compares: Admixed American, 0.075%; no homozygotes.

Submissions (2):

Ambry Genetics
Classification: Uncertain significance for Inborn genetic diseases. Last evaluated: 2025-05-04. Review status: criteria provided, single submitter. Criteria: Ambry Variant Classification Scheme 2023. Collection method: clinical testing. Allele origin: germline.

Labcorp Genetics (formerly Invitae), Labcorp
Classification: Uncertain significance. Last evaluated: 2022-09-27. Review status: criteria provided, single submitter. Criteria: Invitae Variant Classification Sherloc (09022015). Collection method: clinical testing. Allele origin: germline.
Comment: This sequence change replaces arginine, which is basic and polar, with glutamine, which is neutral and polar, at codon 658 of the LTBP2 protein (p.Arg658Gln). This variant is present in population databases (rs755597541, gnomAD 0.1%). This variant has not been reported in the literature in individuals affected with LTBP2-related conditions. ClinVar contains an entry for this variant (Variation ID: 1372067). Algorithms developed to predict the effect of missense changes on protein structure and function (SIFT, PolyPhen-2, Align-GVGD) all suggest that this variant is likely to be disruptive. Algorithms developed to predict the effect of sequence changes on RNA splicing suggest that this variant may create or strengthen a splice site. In summary, the available evidence is currently insufficient to determine the role of this variant in disease. Therefore, it has been classified as a Variant of Uncertain Significance.

NM_000428.3(LTBP2):c.1973G>A (p.Arg658Gln)

Gene: LTBP2 (latent transforming growth factor beta binding protein 2; minus strand). Cytogenetic location: 14q24.3.
Variant type: single nucleotide variant.
Coding change: c.1973G>A on transcript NM_000428.3 (MANE Select); coding-DNA position 1973, G replaced by A.
Protein change: p.Arg658Gln; replaces arginine 658 with glutamine.
Molecular consequence: missense variant.
Genome position (GRCh38, 1-based): chr14:74,532,440, C>T on the plus strand (G>A on the coding strand, the complement: LTBP2 is on the minus strand). VCF-style: chr14-74532440-C-T. GRCh37 (hg19) VCF-style: chr14-74999143-C-T.
Other names: c.1973G>A (NM_000428.2); short protein forms R658Q.
Identifiers: ClinVar variation 1372067 (VCV001372067.6), dbSNP rs755597541, ClinGen allele CA7269695.